The following is an entry in ClinVar:

ClinVar aggregate classification (germline): Likely benign (1 of 4 stars; one submission).

Submission:

CeGaT Center for Human Genetics Tuebingen
Classification: Likely benign. Last evaluated: 2025-02-01. Review status: criteria provided, single submitter. Criteria: CeGaT Center For Human Genetics Tuebingen Variant Classification Criteria Version 2. Collection method: clinical testing. Allele origin: germline. Affected: yes. Observed: 1 variant allele.
Comment: POMT2: BP4, BP7

NM_013382.7(POMT2):c.645T>G (p.Ser215=)

Gene: POMT2 (protein O-mannosyltransferase 2; minus strand). Cytogenetic location: 14q24.3.
Variant type: single nucleotide variant.
Coding change: c.645T>G on transcript NM_013382.7 (MANE Select); coding-DNA position 645, T replaced by G.
Protein change: p.Ser215=; no amino-acid change (serine 215 retained).
Molecular consequence: synonymous variant.
Genome position (GRCh38, 1-based): chr14:77,302,846, A>C on the plus strand (T>G on the coding strand, the complement: POMT2 is on the minus strand). VCF-style: chr14-77302846-A-C. GRCh37 (hg19) VCF-style: chr14-77769189-A-C.
Identifiers: ClinVar variation 3771113 (VCV003771113.13).